The following is an entry in ClinVar:

NM_004184.4(WARS1):c.1274T>C (p.Met425Thr)

Gene: WARS1 (tryptophanyl-tRNA synthetase 1; minus strand). Cytogenetic location: 14q32.2.
Variant type: single nucleotide variant.
Coding change: c.1274T>C on transcript NM_004184.4 (MANE Select); coding-DNA position 1274, T replaced by C.
Protein change: p.Met425Thr; replaces methionine 425 with threonine.
Molecular consequence: missense variant.
Genome position (GRCh38, 1-based): chr14:100,335,017, A>G on the plus strand (T>C on the coding strand, the complement: WARS1 is on the minus strand). VCF-style: chr14-100335017-A-G. GRCh37 (hg19) VCF-style: chr14-100801354-A-G.
Other names: c.1274T>C, p.Met425Thr (NM_173701.2); c.1151T>C, p.Met384Thr (NM_213645.2, NM_213646.2); short protein forms M384T, M425T.
Identifiers: ClinVar variation 3364363 (VCV003364363.2).

ClinVar aggregate classification (germline): Uncertain significance. Review status: criteria provided, multiple submitters, no conflicts (2 of 4 stars). 2 submissions from 2 submitters: Uncertain significance (2). Last evaluated 2025-10-14.

Conditions:
Inborn genetic diseases. Identifiers: MedGen C0950123, MeSH D030342.

Submissions (2):

Ambry Genetics
Classification: Uncertain significance for Inborn genetic diseases. Last evaluated: 2025-10-14. Review status: criteria provided, single submitter. Criteria: Ambry Variant Classification Scheme 2023. Collection method: clinical testing. Allele origin: germline.

GeneDx
Classification: Uncertain significance. Last evaluated: 2023-11-14. Review status: criteria provided, single submitter. Criteria: GeneDx Variant Classification Process June 2021. Collection method: clinical testing. Allele origin: germline. Affected: yes.
Comment: In silico analysis supports that this missense variant has a deleterious effect on protein structure/function; Has not been previously published as pathogenic or benign to our knowledge